The following is an entry in ClinVar:

ClinVar aggregate classification (germline): Uncertain significance (1 of 4 stars; one submission).

Conditions:
Mitochondrial trifunctional protein deficiency. Identifiers: Orphanet 746, MedGen C1969443, MONDO:0012172.

Allele frequency attached by ClinVar (database versions not stated): gnomAD exomes 0.00001; ExAC 0.00002; gnomAD 0.00002.
gnomAD v4.1: 15 of 1,591,970 alleles (0.00094%); highest among the groups gnomAD compares: Middle Eastern, 0.017%; no homozygotes.

Submission:

Labcorp Genetics (formerly Invitae), Labcorp
Classification: Uncertain significance for Mitochondrial trifunctional protein deficiency. Last evaluated: 2022-06-25. Review status: criteria provided, single submitter. Criteria: Invitae Variant Classification Sherloc (09022015). Collection method: clinical testing. Allele origin: germline.
Comment: This sequence change replaces threonine, which is neutral and polar, with methionine, which is neutral and non-polar, at codon 85 of the HADHB protein (p.Thr85Met). This variant is present in population databases (rs756937853, gnomAD 0.0009%). This variant has not been reported in the literature in individuals affected with HADHB-related conditions. Algorithms developed to predict the effect of missense changes on protein structure and function (SIFT, PolyPhen-2, Align-GVGD) all suggest that this variant is likely to be tolerated. In summary, the available evidence is currently insufficient to determine the role of this variant in disease. Therefore, it has been classified as a Variant of Uncertain Significance.

NM_000183.3(HADHB):c.254C>T (p.Thr85Met)

Gene: HADHB (hydroxyacyl-CoA dehydrogenase trifunctional multienzyme complex subunit beta; plus strand). Cytogenetic location: 2p23.3.
Variant type: single nucleotide variant.
Coding change: c.254C>T on transcript NM_000183.3 (MANE Select); coding-DNA position 254, C replaced by T.
Protein change: p.Thr85Met; replaces threonine 85 with methionine.
Molecular consequence: missense variant. On other transcripts: intron variant (1).
Genome position (GRCh38, 1-based): chr2:26,269,997, C>T. VCF-style: chr2-26269997-C-T. GRCh37 (hg19) VCF-style: chr2-26492865-C-T.
Other names: c.188C>T, p.Thr63Met (NM_001281513.2); c.210-3654C>T (NM_001281512.2); short protein forms T85M, T63M.
Identifiers: ClinVar variation 2138997 (VCV002138997.1), dbSNP rs756937853, ClinGen allele CA1560142.